The following is an entry in ClinVar:

ClinVar aggregate classification (germline): Uncertain significance. Review status: criteria provided, multiple submitters, no conflicts (2 of 4 stars). 4 submissions from 4 submitters: Uncertain significance (3). 1 of the submissions does not count toward it. Last evaluated 2024-02-24.

Conditions:
Bardet-Biedl syndrome (BBS). Identifiers: Orphanet 110, MedGen C0752166, MONDO:0015229.
Bardet-Biedl syndrome 10 (BBS10). Identifiers: Orphanet 110, MedGen C1859568, MONDO:0014438, OMIM 615987.

Allele frequency attached by ClinVar (database versions not stated): TOPMed 0.00001.

Submissions (4):

Labcorp Genetics (formerly Invitae), Labcorp
Classification: Uncertain significance for Bardet-Biedl syndrome. Last evaluated: 2024-02-24. Review status: criteria provided, single submitter. Criteria: Invitae Variant Classification Sherloc (09022015). Collection method: clinical testing. Allele origin: germline.
Comment: This sequence change affects the initiator methionine of the BBS10 mRNA. The next in-frame methionine is located at codon 5. This variant is not present in population databases (gnomAD no frequency). This variant has not been reported in the literature in individuals affected with BBS10-related conditions. ClinVar contains an entry for this variant (Variation ID: 502118). In summary, the available evidence is currently insufficient to determine the role of this variant in disease. Therefore, it has been classified as a Variant of Uncertain Significance.

Fulgent Genetics
Classification: Uncertain significance for Bardet-Biedl syndrome 10. Last evaluated: 2021-07-05. Review status: criteria provided, single submitter. Criteria: ACMG Guidelines, 2015. Collection method: clinical testing. Allele origin: unknown.

Eurofins Ntd Llc (ga)
Classification: Uncertain significance. Last evaluated: 2017-05-30. Review status: criteria provided, single submitter. Criteria: EGL Classification Definitions 2015. Collection method: clinical testing. Allele origin: germline. Observed: 1 variant allele, 1 heterozygote.

Counsyl
Classification: Uncertain significance for Bardet-Biedl syndrome 10. Last evaluated: 2018-05-25. Review status: no assertion criteria provided. Collection method: clinical testing. Allele origin: unknown. Not counted in ClinVar's aggregate classification.

NM_024685.4(BBS10):c.2T>C (p.Met1Thr)

Gene: BBS10 (Bardet-Biedl syndrome 10; minus strand). Cytogenetic location: 12q21.2.
Variant type: single nucleotide variant.
Coding change: c.2T>C on transcript NM_024685.4 (MANE Select); coding-DNA position 2, T replaced by C.
Protein change: p.Met1Thr; changes the start codon (methionine 1).
Molecular consequence: missense variant, initiator codon variant.
Genome position (GRCh38, 1-based): chr12:76,348,357, A>G on the plus strand (T>C on the coding strand, the complement: BBS10 is on the minus strand). VCF-style: chr12-76348357-A-G. GRCh37 (hg19) VCF-style: chr12-76742137-A-G.
Other names: c.2T>C, p.Met1Thr (LRG_1255t1); short protein forms M1T.
Identifiers: ClinVar variation 502118 (VCV000502118.12), dbSNP rs1382481529, ClinGen allele CA385816525.